The following is an entry in ClinVar:

NM_002890.3(RASA1):c.514C>T (p.Pro172Ser)

Gene: RASA1 (RAS p21 protein activator 1; plus strand). Cytogenetic location: 5q14.3.
Variant type: single nucleotide variant.
Coding change: c.514C>T on transcript NM_002890.3 (MANE Select); coding-DNA position 514, C replaced by T.
Protein change: p.Pro172Ser; replaces proline 172 with serine.
Molecular consequence: missense variant. On other transcripts: 5 prime UTR variant (1).
Genome position (GRCh38, 1-based): chr5:87,268,965, C>T. VCF-style: chr5-87268965-C-T. GRCh37 (hg19) VCF-style: chr5-86564782-C-T.
Other names: c.-83C>T (NM_022650.3); short protein forms P172S.
Identifiers: ClinVar variation 4766415 (VCV004766415.2).

ClinVar aggregate classification (germline): Uncertain significance. Review status: criteria provided, multiple submitters, no conflicts (2 of 4 stars). 2 submissions from 2 submitters: Uncertain significance (2). Last evaluated 2026-06-22.

Conditions:
Cardiovascular phenotype. Identifiers: MedGen CN230736.
Capillary malformation-arteriovenous malformation syndrome. Also called: Capillary malformation-arteriovenous malformation. Identifiers: Orphanet 137667, MedGen C1842180, MONDO:0012016.

Submissions (2):

Ambry Genetics
Classification: Uncertain significance for Cardiovascular phenotype. Last evaluated: 2026-06-22. Review status: criteria provided, single submitter. Criteria: Ambry Variant Classification Scheme 2023. Collection method: clinical testing. Allele origin: germline.
Comment: The p.P172S variant (also known as c.514C>T), located in coding exon 1 of the RASA1 gene, results from a C to T substitution at nucleotide position 514. The proline at codon 172 is replaced by serine, an amino acid with similar properties. This amino acid position is conserved. In addition, this alteration is predicted to be tolerated by in silico analysis. Based on the available evidence, the clinical significance of this variant remains unclear.

Labcorp Genetics (formerly Invitae), Labcorp
Classification: Uncertain significance for Capillary malformation-arteriovenous malformation syndrome. Last evaluated: 2025-02-05. Review status: criteria provided, single submitter. Criteria: Invitae Variant Classification Sherloc (09022015). Collection method: clinical testing. Allele origin: germline.
Comment: This sequence change replaces proline, which is neutral and non-polar, with serine, which is neutral and polar, at codon 172 of the RASA1 protein (p.Pro172Ser). This variant is not present in population databases (gnomAD no frequency). This variant has not been reported in the literature in individuals affected with RASA1-related conditions. An algorithm developed to predict the effect of missense changes on protein structure and function (PolyPhen-2) suggests that this variant is likely to be tolerated. In summary, the available evidence is currently insufficient to determine the role of this variant in disease. Therefore, it has been classified as a Variant of Uncertain Significance.